The following is an entry in ClinVar:

ClinVar aggregate classification (germline): Uncertain significance (1 of 4 stars; one submission).

Submission:

GeneDx
Classification: Uncertain significance. Last evaluated: 2022-01-05. Review status: criteria provided, single submitter. Criteria: GeneDx Variant Classification Process June 2021. Collection method: clinical testing. Allele origin: germline. Affected: yes.
Comment: Not observed at significant frequency in large population cohorts (gnomAD); In silico analysis supports that this missense variant has a deleterious effect on protein structure/function; Has not been previously published as pathogenic or benign to our knowledge

NM_001127222.2(CACNA1A):c.1609A>C (p.Met537Leu)

Gene: CACNA1A (calcium voltage-gated channel subunit alpha1 A; minus strand). Cytogenetic location: 19p13.13.
Variant type: single nucleotide variant.
Coding change: c.1609A>C on transcript NM_001127222.2 (MANE Select); coding-DNA position 1609, A replaced by C.
Protein change: p.Met537Leu; replaces methionine 537 with leucine.
Molecular consequence: missense variant.
Genome position (GRCh38, 1-based): chr19:13,312,728, T>G on the plus strand (A>C on the coding strand, the complement: CACNA1A is on the minus strand). VCF-style: chr19-13312728-T-G. GRCh37 (hg19) VCF-style: chr19-13423542-T-G.
Other names: c.1612A>C, p.Met538Leu (NM_000068.4, NM_001127221.2, NM_001174080.2 and 1 more transcripts); short protein forms M537L, M538L.
Identifiers: ClinVar variation 1695730 (VCV001695730.2), dbSNP rs2145030626, ClinGen allele CA404345410.